The following continues an entry in ClinVar:

NM_000199.5(SGSH):c.892T>C (p.Ser298Pro)

Gene: SGSH. ClinVar aggregate classification (germline): Pathogenic. Pathogenic (24).

Submissions 10 to 32 of 32:

Institute of Human Genetics, Clinical Exome/Genome Diagnostics Group, University Hospital Bonn
Classification: Pathogenic for Mucopolysaccharidosis, MPS-III-A. Last evaluated: 2024-04-09. Review status: criteria provided, single submitter. Criteria: ACMG Guidelines, 2015. Collection method: clinical testing. Allele origin: maternal. Affected: yes.

Blueprint Genetics
Classification: Pathogenic for SGSH-related disorders. Last evaluated: 2024-01-29. Review status: criteria provided, single submitter. Criteria: ACMG Guidelines, 2015. Collection method: clinical testing. Allele origin: germline. Affected: yes. Observed: 5 variant alleles.

Department of Pathology and Laboratory Medicine, Sinai Health System
Classification: Pathogenic for Mucopolysaccharidosis, MPS-III-A. Last evaluated: 2023-07-17. Review status: criteria provided, single submitter. Criteria: ACMG Guidelines, 2015. Collection method: research. Allele origin: germline.

CeGaT Center for Human Genetics Tuebingen
Classification: Pathogenic. Last evaluated: 2022-09-01. Review status: criteria provided, single submitter. Criteria: CeGaT Center For Human Genetics Tuebingen Variant Classification Criteria Version 2. Collection method: clinical testing. Allele origin: germline. Affected: yes. Observed: 6 variant alleles.

Greenwood Genetic Center Diagnostic Laboratories, Greenwood Genetic Center
Classification: Pathogenic for Mucopolysaccharidosis, MPS-III-A. Last evaluated: 2022-01-04. Review status: criteria provided, single submitter. Criteria: ACMG Guidelines, 2015. Collection method: clinical testing. Allele origin: germline. Affected: yes.
Comment: PS3, PM2, PM3_Very Strong

Fulgent Genetics
Classification: Pathogenic for Mucopolysaccharidosis, MPS-III-A. Last evaluated: 2021-12-02. Review status: criteria provided, single submitter. Criteria: ACMG Guidelines, 2015. Collection method: clinical testing. Allele origin: unknown.

Genome-Nilou Lab
Classification: Pathogenic for Mucopolysaccharidosis, MPS-III-A. Last evaluated: 2021-11-07. Review status: criteria provided, single submitter. Criteria: ACMG Guidelines, 2015. Collection method: clinical testing. Allele origin: germline. Affected: no.

GeneDx
Classification: Pathogenic. Last evaluated: 2021-05-05. Review status: criteria provided, single submitter. Criteria: GeneDx Variant Classification (06012015). Collection method: clinical testing. Allele origin: germline. Affected: yes.
Comment: Published functional studies demonstrate an effect on folding and stability of the sulfamidase enzyme, resulting in significantly reduced enzymatic activity (Muschol et al., 2011) In silico analysis supports that this missense variant has a deleterious effect on protein structure/function This variant is associated with the following publications: (PMID: 31980526, 31536183, 32581362, 31718697, 29023963, 28451919, 24524415, 21204211, 24271936, 21061399, 15146460, 22976768, 24816101, 26787381, 18407553, 25807448, 9401012, 21671382)

Undiagnosed Diseases Network, NIH
Classification: Pathogenic for Mucopolysaccharidosis, MPS-III-A. Last evaluated: 2020-04-30. Review status: criteria provided, single submitter. Criteria: ACMG Guidelines, 2015. Collection method: clinical testing. Allele origin: unknown, maternal. Inheritance: Autosomal recessive inheritance. Affected: yes. Observed: 2 variant alleles, 3 compound heterozygotes, 2 homozygotes. Clinical features observed: Widow's peak (HP:0000349), Wide nasal bridge (HP:0000431), Urinary incontinence (HP:0000020), Thick vermilion border (HP:0012471), Thick eyebrow (HP:0000574), Sleep disturbance (HP:0002360), Shawl scrotum (HP:0000049), Prominent supraorbital ridges (HP:0000336), Prominent forehead (HP:0011220), Obstructive sleep apnea syndrome (HP:0002870), Nevus (HP:0003764), Mitral regurgitation (HP:0001653), and 31 more. Study: Undiagnosed Diseases Network (NIH), UDN.
Comment: This variant has been previously reported as disease-causing PMIDs 21671382, 29023963, 9401012, 24816101, 25807448.

Cambridge Genomics Laboratory, East Genomic Laboratory Hub, NHS Genomic Medicine Service
Classification: Pathogenic for Cone-rod dystrophy. Last evaluated: 2020-03-27. Review status: criteria provided, single submitter. Criteria: ACGS Best Practice Guidelines for Variant Classification in Rare Disease 2020. Collection method: clinical testing. Allele origin: germline. Affected: yes. Observed: 1 variant allele.

Women's Health and Genetics/Laboratory Corporation of America, LabCorp
Classification: Pathogenic for Sanfilippo syndrome. Last evaluated: 2017-08-02. Review status: criteria provided, single submitter. Criteria: LabCorp Variant Classification Summary - May 2015. Collection method: clinical testing. Allele origin: germline.
Comment: Variant summary: The SGSH c.892T>C (p.Ser298Pro) variant involves the alteration of a conserved nucleotide that lies within the Alkaline-phosphatase-like, core domain, Sulfatase, N-terminal domain, and Alkaline phosphatase-like, alpha/beta/alpha domain (InterPro). 4/4 in silico tools predict a damaging outcome for this variant (SNPsandGO not captured due to low reliability index). Functional studies found no to minimal (2.3% of wild-type) heparin-N sulfatase activity associated with this variant (Pollard_JIMD_2013, Muschol_AJMG_2011). This variant was found in the large control database ExAC and in the literature at a frequency of 0.0000917 (11/120004 control chromosomes), which does not exceed the estimated maximal expected allele frequency of a pathogenic SGSH variant (0.0032275). The variant has been found in numerous MPS IIIA patients, in compound heterozygotes as well as homozygotes, and was reported as being associated with a clinically mild phenotype (Valstar_Mutat_Annals of Neurology_2010, Meyer_HM_2008). In addition, multiple clinical diagnostic laboratories/reputable databases classified this variant as pathogenic. Taken together, this variant is classified as pathogenic.

Illumina Laboratory Services, Illumina
Classification: Pathogenic for Mucopolysaccharidosis, MPS-III-A. Last evaluated: 2017-04-28. Review status: criteria provided, single submitter. Criteria: ICSL Variant Classification Criteria 09 May 2019. Collection method: clinical testing. Allele origin: germline.
Comment: The SGSH c.892T>C (p.Ser298Pro) variant has been reported in four studies and is found in a total of 51 individuals with mucopolysaccharidosis, type III including four in a homozygous state, 45 in a compound heterozygous state, and two in a heterozygous state in whom a second variant was not identified (Bunge et al. 1997; Meyer et al. 2008; Valstar et al. 2010; Shapiro et al. 2016). Individuals carrying the p.Ser298Pro variant demonstrate a milder phenotype (Meyer et al. 2008; Valstar et al. 2010). The p.Ser298Pro variant was absent from 100 controls but is reported at a frequency of 0.00017 in the European (non-Finnish) population of the Exome Aggregation Consortium. Functional studies in BHK cells transfected with the p.Ser298Pro variant demonstrated the variant results in reduced protein stability compared to wild type as well as low residual sulfamidase activity (Muschol et al. 2011). Based on the collective evidence, the p.Ser298Pro variant is classified as pathogenic for mucopolysaccharidosis, type III. This variant was observed by ICSL as part of a predisposition screen in an ostensibly healthy population.

Clinical Genetics DNA and cytogenetics Diagnostics Lab, Erasmus MC, Erasmus Medical Center
Classification: Pathogenic for Mucopolysaccharidosis, MPS-III-A. Last evaluated: 2015-09-21. Review status: criteria provided, single submitter. Criteria: ACGS Guidelines, 2013. Collection method: clinical testing. Allele origin: germline. Affected: yes. Study: VKGL Data-share Consensus.

Eurofins Ntd Llc (ga)
Classification: Pathogenic. Last evaluated: 2013-01-23. Review status: criteria provided, single submitter. Criteria: EGL Classification Definitions. Collection method: clinical testing. Allele origin: germline. Observed: 9 variant alleles, 9 heterozygotes.

Genomics England Pilot Project, Genomics England
Classification: Pathogenic for Mucopolysaccharidosis, MPS-III-A. Review status: criteria provided, single submitter. Criteria: ACGS Guidelines, 2016. Collection method: clinical testing. Allele origin: germline. Affected: yes.

Counsyl
Classification: Pathogenic for Mucopolysaccharidosis, MPS-III-A. Last evaluated: 2016-12-10. Review status: no assertion criteria provided. Collection method: clinical testing. Allele origin: unknown. Not counted in ClinVar's aggregate classification.

OMIM
Classification: Pathogenic for MUCOPOLYSACCHARIDOSIS, TYPE IIIA, ATTENUATED. Last evaluated: 2010-12-01. Review status: no assertion criteria provided. Collection method: literature only. Allele origin: germline. Not counted in ClinVar's aggregate classification.

Diagnostic Laboratory, Department of Genetics, University Medical Center Groningen
Classification: Pathogenic for Mucopolysaccharidosis, MPS-III-A. Review status: no assertion criteria provided. Collection method: clinical testing. Allele origin: germline. Affected: yes. Study: VKGL Data-share Consensus. Not counted in ClinVar's aggregate classification.

GeneReviews
No classification provided. Condition: Mucopolysaccharidosis. Review status: no classification provided. Collection method: literature only. Allele origin: germline. Not counted in ClinVar's aggregate classification.

Institute of Human Genetics, University of Wuerzburg
Classification: Pathogenic for Neurodegeneration. Review status: no assertion criteria provided. Collection method: clinical testing. Allele origin: unknown. Affected: yes. Observed: 1 variant allele. Not counted in ClinVar's aggregate classification.

Joint Genome Diagnostic Labs from Nijmegen and Maastricht, Radboudumc and MUMC+
Classification: Likely pathogenic. Review status: no assertion criteria provided. Collection method: clinical testing. Allele origin: germline. Affected: yes. Study: VKGL Data-share Consensus. Not counted in ClinVar's aggregate classification.

Laboratory of Diagnostic Genome Analysis, Leiden University Medical Center (LUMC)
Classification: Pathogenic. Review status: no assertion criteria provided. Collection method: clinical testing. Allele origin: germline. Affected: yes. Study: VKGL Data-share Consensus. Not counted in ClinVar's aggregate classification.

NIHR Bioresource Rare Diseases, University of Cambridge
Classification: Pathogenic for Retinal dystrophy; Nystagmus; Severely reduced visual acuity; Global developmental delay; Diarrhea; Developmental regression; Gastrointestinal dysmotility. Review status: no assertion criteria provided. Collection method: research. Allele origin: unknown. Affected: yes. Observed: 1 variant allele. Not counted in ClinVar's aggregate classification.

Literature cited by the submitters: PubMed 9401012 (cited by 8 submitters); PubMed 18407553 (cited by 8 submitters); PubMed 21671382 (cited by 7 submitters); PubMed 22976768 (cited by 5 submitters); PubMed 29023963 (cited by 4 submitters); PubMed 21061399 (cited by 7 submitters); PubMed 31536183 (cited by Rady Children's Institute for Genomic Medicine, Rady Children's Hospital San Diego and GeneReviews); PubMed 25807448 (cited by Mayo Clinic Laboratories, Mayo Clinic); PubMed 26787381 (cited by Mayo Clinic Laboratories, Mayo Clinic and Illumina Laboratory Services, Illumina); PubMed 31718697 (cited by Mayo Clinic Laboratories, Mayo Clinic); PubMed 35291973 (cited by Mayo Clinic Laboratories, Mayo Clinic); PubMed 35848209 (cited by Mayo Clinic Laboratories, Mayo Clinic and Ambry Genetics); PubMed 15146460 (cited by Ambry Genetics and Women's Health and Genetics/Laboratory Corporation of America, LabCorp); PubMed 31046785 (cited by Ambry Genetics); PubMed 32581362 (cited by NIHR Bioresource Rare Diseases, University of Cambridge).